The following is an entry in ClinVar:

ClinVar aggregate classification (germline): Benign/Likely benign. Review status: criteria provided, multiple submitters, no conflicts (2 of 4 stars). 2 submissions from 2 submitters: Benign (1); Likely benign (1). Last evaluated 2024-08-21.

Conditions:
Familial cancer of breast. Also called: Hereditary breast cancer; hereditary breast carcinoma; BREAST CANCER, FAMILIAL. Identifiers: Orphanet 227535, MedGen C0346153, MONDO:0016419, OMIM 114480. Disease mechanism: loss of function.
Fanconi anemia complementation group J. Also called: BRIP1-Related Fanconi Anemia. Identifiers: Orphanet 84, MedGen C1836860, MONDO:0012187, OMIM 609054.

Submissions (2):

Myriad Genetics, Inc.
Classification: Benign for Familial cancer of breast. Last evaluated: 2024-08-21. Review status: criteria provided, single submitter. Criteria: Myriad Autosomal Dominant, Autosomal Recessive and X-Linked Classification Criteria (2023). Collection method: clinical testing. Allele origin: unknown.
Comment: This variant is considered benign. This variant is a silent/synonymous amino acid change and it is not expected to impact splicing.

Labcorp Genetics (formerly Invitae), Labcorp
Classification: Likely benign for Familial cancer of breast; Fanconi anemia complementation group J. Last evaluated: 2023-07-19. Review status: criteria provided, single submitter. Criteria: Invitae Variant Classification Sherloc (09022015). Collection method: clinical testing. Allele origin: germline.

NM_032043.3(BRIP1):c.318T>C (p.Arg106=)

Gene: BRIP1 (BRCA1 interacting DNA helicase 1; minus strand). Cytogenetic location: 17q23.2.
Variant type: single nucleotide variant.
Coding change: c.318T>C on transcript NM_032043.3 (MANE Select); coding-DNA position 318, T replaced by C.
Protein change: p.Arg106=; no amino-acid change (arginine 106 retained).
Molecular consequence: synonymous variant.
Genome position (GRCh38, 1-based): chr17:61,857,119, A>G on the plus strand (T>C on the coding strand, the complement: BRIP1 is on the minus strand). VCF-style: chr17-61857119-A-G. GRCh37 (hg19) VCF-style: chr17-59934480-A-G.
Identifiers: ClinVar variation 1546106 (VCV001546106.10), dbSNP rs772283705, ClinGen allele CA501151375.